The following is an entry in ClinVar:

NC_000001.11:g.161781912dup

Gene: ATF6 (activating transcription factor 6; plus strand). Cytogenetic location: 1q23.3.
Variant type: Duplication.
Genome position: GRCh38 VCF-style: chr1-161781910-A-AG. GRCh37 (hg19) VCF-style: chr1-161751700-A-AG.
Other names: p.Glu54GlyfsX5; c.160dupG (NM_007348.3).
Identifiers: ClinVar variation 505015 (VCV000505015.6), dbSNP rs1553227755, ClinGen allele CA658795561.

ClinVar aggregate classification (germline): Pathogenic (1 of 4 stars; one submission).

Conditions:
Achromatopsia. Also called: Rod monochromatism. Identifiers: Orphanet 49382, MedGen C0152200, MONDO:0018852, HP:0011516.

Submission:

Laboratory for Molecular Medicine, Mass General Brigham Personalized Medicine
Classification: Pathogenic for Achromatopsia. Last evaluated: 2016-05-15. Review status: criteria provided, single submitter. Criteria: LMM Criteria. Collection method: clinical testing. Allele origin: germline. Inheritance: Autosomal recessive inheritance. Observed: 1 variant allele.
Comment: The p.Glu54GlyfsX5 variant in ATF6 has not been reported in the literature and w as absent form large population studies. This variant is predicted to cause a fr ameshift, which alters the protein?s amino acid sequence beginning at position 5 4 and leads to a premature termination codon 5 amino acids downstream. This alte ration is then predicted to lead to a truncated or absent protein. Biallelic los s of function of the ATF6 gene has been associated with achromatopsia. In summar y, the p.Glu54GlyfsX5 variant meets our criteria to be classified as pathogenic for achromatopsia in an autosomal recessive manner based upon its predicted func tional impact and absence from controls.